The following is an entry in ClinVar:

NM_000553.6(WRN):c.2518G>A (p.Gly840Ser)

Gene: WRN (WRN RecQ like helicase; plus strand). Cytogenetic location: 8p12.
Variant type: single nucleotide variant.
Coding change: c.2518G>A on transcript NM_000553.6 (MANE Select); coding-DNA position 2518, G replaced by A.
Protein change: p.Gly840Ser; replaces glycine 840 with serine.
Molecular consequence: missense variant.
Genome position (GRCh38, 1-based): chr8:31,120,312, G>A. VCF-style: chr8-31120312-G-A. GRCh37 (hg19) VCF-style: chr8-30977828-G-A.
Other names: short protein forms G840S.
Identifiers: ClinVar variation 458419 (VCV000458419.7), dbSNP rs758819862, ClinGen allele CA4704771.
Genomic context (GRCh38, chr8:31,120,312, plus strand): 5'-GCTACCATAGCTTTTGGAATGGGCATTAATAAAGCTGACATTCGCCAAGTCATTCATTAC[G>A]GTGCTCCTAAGGACATGGAATCATATTATCAGGAGATTGGTAGAGCTGGTCGTGATGGAC-3'
Protein context (NP_000544.2, residues 830-850): KADIRQVIHY[Gly840Ser]APKDMESYYQ

ClinVar aggregate classification (germline): Uncertain significance (1 of 4 stars; one submission).

Conditions:
Werner syndrome (WRN). Identifiers: Orphanet 902, MedGen C0043119, MONDO:0010196, OMIM 277700.

Allele frequency attached by ClinVar (database versions not stated): gnomAD exomes 0.00001 and 0.00004; ExAC 0.00005; TOPMed 0.00008; gnomAD 0.00011.
gnomAD v4.1: 37 of 1,612,812 alleles (0.0023%); highest among the groups gnomAD compares: African/African-American, 0.036%; no homozygotes.

Submission:

Labcorp Genetics (formerly Invitae), Labcorp
Classification: Uncertain significance for Werner syndrome. Last evaluated: 2024-04-29. Review status: criteria provided, single submitter. Criteria: Invitae Variant Classification Sherloc (09022015). Collection method: clinical testing. Allele origin: germline.
Comment: This sequence change replaces glycine, which is neutral and non-polar, with serine, which is neutral and polar, at codon 840 of the WRN protein (p.Gly840Ser). This variant is present in population databases (rs758819862, gnomAD 0.04%). This variant has not been reported in the literature in individuals affected with WRN-related conditions. ClinVar contains an entry for this variant (Variation ID: 458419). An algorithm developed to predict the effect of missense changes on protein structure and function (PolyPhen-2) suggests that this variant is likely to be disruptive. RNA analysis performed to evaluate the impact of this missense change on mRNA splicing indicates it does not significantly alter splicing (Invitae). In summary, the available evidence is currently insufficient to determine the role of this variant in disease. Therefore, it has been classified as a Variant of Uncertain Significance.